The following is an entry in ClinVar:

ClinVar aggregate classification (germline): Likely benign (1 of 4 stars; one submission).

Allele frequency attached by ClinVar (database versions not stated): ExAC 0.00013; TOPMed 0.00025; gnomAD 0.00028; gnomAD exomes 0.00037; ESP Exome Variant Server 0.00041.
gnomAD v4.1: 591 of 1,613,156 alleles (0.037%); highest among the groups gnomAD compares: Non-Finnish European, 0.046%; 1 homozygote.

Submission:

CeGaT Center for Human Genetics Tuebingen
Classification: Likely benign. Last evaluated: 2022-04-01. Review status: criteria provided, single submitter. Criteria: CeGaT Center For Human Genetics Tuebingen Variant Classification Criteria Version 2. Collection method: clinical testing. Allele origin: germline. Affected: yes. Observed: 1 variant allele.
Comment: GCN1: BP4, BP7

NM_006836.2(GCN1):c.7653T>C (p.Leu2551=)

Gene: GCN1 (GCN1 activator of EIF2AK4; minus strand). Cytogenetic location: 12q24.23.
Variant type: single nucleotide variant.
Coding change: c.7653T>C on transcript NM_006836.2 (MANE Select); coding-DNA position 7653, T replaced by C.
Protein change: p.Leu2551=; no amino-acid change (leucine 2551 retained).
Molecular consequence: synonymous variant.
Genome position (GRCh38, 1-based): chr12:120,130,664, A>G on the plus strand (T>C on the coding strand, the complement: GCN1 is on the minus strand). VCF-style: chr12-120130664-A-G. GRCh37 (hg19) VCF-style: chr12-120568468-A-G.
Identifiers: ClinVar variation 2643394 (VCV002643394.24), dbSNP rs369470290, ClinGen allele CA6823432.
Genomic context (GRCh38, chr12:120,130,664, plus strand): 5'-GCCAGGTGTTAGGGCTTAAACACATGCTTGGCCCCCACTCACCTTAACGAACAGGCTGGA[A>G]AGTTTGGCCGGCAACTGCCCTCCGCCTGTCTCGATGTGGTGTCTCATGAGAAAGCCCATG-3'
Protein context (NP_006827.1, residues 2541-2561): ETGGGQLPAK[Leu2551=]SSLFVKCLQN